The following is an entry in ClinVar:

ClinVar aggregate classification (germline): Uncertain significance (1 of 4 stars; one submission).

Conditions:
Atrial standstill 1 (ATRST1). Also called: ATRIAL CARDIOMYOPATHY WITH HEART BLOCK; CARDIOMYOPATHY, FAMILIAL, WITH CONDUCTION DISTURBANCE; Atrial standstill, digenic (GJA5/SCN5A). Identifiers: Orphanet 1344, MedGen C4551959, MONDO:0007171, OMIM 108770.
Atrial fibrillation, familial, 11 (ATFB11). Identifiers: MedGen C3279693, MONDO:0013544, OMIM 614049.

gnomAD v4.1: 1 of 1,614,156 alleles (0.000062%); highest among the groups gnomAD compares: African/African-American, 0.0013%; no homozygotes.

Submission:

Labcorp Genetics (formerly Invitae), Labcorp
Classification: Uncertain significance for Atrial fibrillation, familial, 11; Atrial standstill 1. Last evaluated: 2025-10-10. Review status: criteria provided, single submitter. Criteria: Invitae Variant Classification Sherloc (09022015). Collection method: clinical testing. Allele origin: germline.
Comment: This sequence change replaces arginine, which is basic and polar, with histidine, which is basic and polar, at codon 186 of the GJA5 protein (p.Arg186His). This variant is not present in population databases (gnomAD no frequency). This variant has not been reported in the literature in individuals affected with GJA5-related conditions. Invitae Evidence Modeling of protein sequence and biophysical properties (such as structural, functional, and spatial information, amino acid conservation, physicochemical variation, residue mobility, and thermodynamic stability) indicates that this missense variant is not expected to disrupt GJA5 protein function with a negative predictive value of 80%. In summary, the available evidence is currently insufficient to determine the role of this variant in disease. Therefore, it has been classified as a Variant of Uncertain Significance.

NM_181703.4(GJA5):c.557G>A (p.Arg186His)

Gene: GJA5 (gap junction protein alpha 5; minus strand). Cytogenetic location: 1q21.2.
Variant type: single nucleotide variant.
Coding change: c.557G>A on transcript NM_181703.4 (MANE Select); coding-DNA position 557, G replaced by A.
Protein change: p.Arg186His; replaces arginine 186 with histidine.
Molecular consequence: missense variant.
Genome position (GRCh38, 1-based): chr1:147,758,682, C>T on the plus strand (G>A on the coding strand, the complement: GJA5 is on the minus strand). VCF-style: chr1-147758682-C-T. GRCh37 (hg19) VCF-style: chr1-147230790-C-T.
Other names: c.557G>A, p.Arg186His (NM_005266.7); short protein forms R186H.
Identifiers: ClinVar variation 4787621 (VCV004787621.1).
Genomic context (GRCh38, chr1:147,758,682, plus strand): 5'-ACATTCTTCTCTGTGGGCCGGGATACGTAACAGTTGACCGGGTGGGGACAGGGACTCCTG[C>T]GGCAGACATGCAGGGTGGTCAGGAAGATTCCGTAGATGAAGTACTGGCCCACAATGAAGC-3'
Protein context (NP_859054.1, residues 176-196): GIFLTTLHVC[Arg186His]RSPCPHPVNC